The following is an entry in ClinVar:

NM_002485.5(NBN):c.703-18G>A

Gene: NBN (nibrin; minus strand). Cytogenetic location: 8q21.3.
Variant type: single nucleotide variant.
Coding change: c.703-18G>A on transcript NM_002485.5 (MANE Select); 18 bases into the intron before coding-DNA position 703, G replaced by A.
Molecular consequence: intron variant.
Genome position (GRCh38, 1-based): chr8:89,970,575, C>T on the plus strand (G>A on the coding strand, the complement: NBN is on the minus strand). VCF-style: chr8-89970575-C-T. GRCh37 (hg19) VCF-style: chr8-90982803-C-T.
Other names: c.457-18G>A (NM_001024688.3).
Identifiers: ClinVar variation 258770 (VCV000258770.35), dbSNP rs769418, ClinGen allele CA4802895.

ClinVar aggregate classification (germline): Benign/Likely benign. Review status: criteria provided, multiple submitters, no conflicts (2 of 4 stars). 12 submissions from 11 submitters: Benign (10); Likely benign (1). 1 of the submissions does not count toward it. Last evaluated 2026-02-04.

Conditions:
Acute lymphoid leukemia (ALL). Also called: Lymphoblastic leukemia; Acute lymphoblastic leukemia; Acute lymphocytic leukemia; Leukemia, acute lymphoblastic, somatic. Identifiers: Orphanet 513, MedGen C0023449, MONDO:0004967, OMIM 613065, HP:0006721.
Hereditary breast ovarian cancer syndrome. Also called: BRCA1- and BRCA2-Associated Hereditary Breast and Ovarian Cancer; Hereditary breast and ovarian cancer syndrome; Hereditary breast and ovarian cancer syndrome (HBOC); Hereditary breast and/or ovarian cancer syndrome; Hereditary breast and ovarian cancer; Breast and ovarian cancer. Identifiers: Orphanet 145, MedGen C0677776, MeSH D061325, MONDO:0003582. Disease mechanism: loss of function.
Microcephaly, normal intelligence and immunodeficiency (NBS). Also called: BERLIN BREAKAGE SYNDROME; Nijmegen breakage syndrome; Microcephaly with normal intelligence immunodeficiency and lymphoreticular malignancies; Nonsyndromal microcephaly autosomal recessive with normal intelligence; Seemanova syndrome 2; IMMUNODEFICIENCY, MICROCEPHALY, AND CHROMOSOMAL INSTABILITY. Identifiers: Orphanet 647, MedGen C0398791, MONDO:0009623, OMIM 251260.
Hereditary cancer-predisposing syndrome. Also called: Tumor predisposition; Hereditary neoplastic syndrome; Hereditary Cancer Syndrome; Neoplastic Syndromes, Hereditary. Identifiers: Orphanet 140162, MedGen C0027672, MeSH D009386, MONDO:0015356.

Allele frequency attached by ClinVar (database versions not stated): TOPMed 0.04651; ExAC 0.06824; gnomAD exomes 0.07157 and 0.04220; 1000 Genomes Project 30x 0.07245; 1000 Genomes Project 0.07428; ESP Exome Variant Server 0.02447; gnomAD 0.03898 and 0.04272.
gnomAD v4.1: 67,948 of 1,607,802 alleles (4.2%); highest among the groups gnomAD compares: East Asian, 19%; 2,898 homozygotes.

Submissions (12):

Labcorp Genetics (formerly Invitae), Labcorp
Classification: Benign for Microcephaly, normal intelligence and immunodeficiency. Last evaluated: 2026-02-04. Review status: criteria provided, single submitter. Criteria: Invitae Variant Classification Sherloc (09022015). Collection method: clinical testing. Allele origin: germline.

ARUP Laboratories, Molecular Genetics and Genomics, ARUP Laboratories
Classification: Benign. Last evaluated: 2025-07-28. Review status: criteria provided, single submitter. Criteria: ARUP Molecular Germline Variant Investigation Process 2024. Collection method: clinical testing. Allele origin: germline.

GeneKor MSA
Classification: Benign for Hereditary cancer-predisposing syndrome. Last evaluated: 2025-07-10. Review status: criteria provided, single submitter. Criteria: ACMG Guidelines, 2015. Collection method: clinical testing. Allele origin: germline.

KCCC/NGS Laboratory, Kuwait Cancer Control Center
Classification: Benign for Microcephaly, normal intelligence and immunodeficiency. Last evaluated: 2025-02-01. Review status: criteria provided, single submitter. Criteria: ACMG Guidelines, 2015. Collection method: clinical testing. Allele origin: germline. Affected: no.

Blueprint Genetics
Classification: Likely benign. Last evaluated: 2024-11-27. Review status: criteria provided, single submitter. Criteria: ACMG Guidelines, 2015. Collection method: clinical testing. Allele origin: germline.

Unidad de Genómica Garrahan, Hospital de Pediatría Garrahan
Classification: Benign. Last evaluated: 2024-01-24. Review status: criteria provided, single submitter. Criteria: ACMG Guidelines, 2015. Collection method: clinical testing. Allele origin: germline. Affected: no. Observed: 21 variant alleles.
Comment: This variant is classified as Benign based on local population frequency. This variant was detected in 22% of patients studied by a panel of primary immunodeficiencies. Number of patients: 21. Only high quality variants are reported.

KCCC/NGS Laboratory, Kuwait Cancer Control Center
Classification: Benign for Acute lymphoid leukemia. Last evaluated: 2023-07-07. Review status: criteria provided, single submitter. Criteria: ACMG Guidelines, 2015. Collection method: clinical testing. Allele origin: germline. Affected: yes.

National Health Laboratory Service, Universitas Academic Hospital and University of the Free State
Classification: Benign for Hereditary breast ovarian cancer syndrome. Last evaluated: 2022-04-19. Review status: criteria provided, single submitter. Criteria: ACMG Guidelines, 2015. Collection method: clinical testing. Allele origin: germline. Affected: yes. Observed: 10 variant alleles.

GeneDx
Classification: Benign. Last evaluated: 2015-03-03. Review status: criteria provided, single submitter. Criteria: GeneDx Variant Classification Process June 2021. Collection method: clinical testing. Allele origin: germline. Affected: yes.

Breakthrough Genomics
Classification: Benign. Review status: criteria provided, single submitter. Criteria: ACMG Guidelines, 2015. Collection method: not provided. Allele origin: germline. Inheritance: Autosomal recessive inheritance. Affected: yes.

PreventionGenetics, part of Exact Sciences
Classification: Benign. Review status: criteria provided, single submitter. Criteria: ACMG Guidelines, 2015. Collection method: clinical testing. Allele origin: germline.

Counsyl
Classification: Benign for Microcephaly, normal intelligence and immunodeficiency. Last evaluated: 2017-09-01. Review status: no assertion criteria provided. Collection method: clinical testing. Allele origin: unknown. Not counted in ClinVar's aggregate classification.